The following is an entry in ClinVar:

NM_002968.3(SALL1):c.1715C>A (p.Thr572Lys)

Gene: SALL1 (spalt like transcription factor 1; minus strand). Cytogenetic location: 16q12.1.
Variant type: single nucleotide variant.
Coding change: c.1715C>A on transcript NM_002968.3 (MANE Select); coding-DNA position 1715, C replaced by A.
Protein change: p.Thr572Lys; replaces threonine 572 with lysine.
Molecular consequence: missense variant.
Genome position (GRCh38, 1-based): chr16:51,140,507, G>T on the plus strand (C>A on the coding strand, the complement: SALL1 is on the minus strand). VCF-style: chr16-51140507-G-T. GRCh37 (hg19) VCF-style: chr16-51174418-G-T.
Other names: c.1424C>A, p.Thr475Lys (NM_001127892.2); short protein forms T475K, T572K.
Identifiers: ClinVar variation 4742344 (VCV004742344.1).
Genomic context (GRCh38, chr16:51,140,507, plus strand): 5'-TTGACTGAGCCTGGGGGGCTGGTGGCAGAATGGCTGATGGGGATGGGGGCTGGCTCTTCC[G>T]TCTTGATGAAGGGTATGAGGCTTGGGAGGGTTGGGGGCAACGGCAGGCCGACTGAAGTGG-3'
Protein context (NP_002959.2, residues 562-582): TLPSLIPFIK[Thr572Lys]EEPAPIPISH

ClinVar aggregate classification (germline): Uncertain significance (1 of 4 stars; one submission).

Conditions:
Townes syndrome (TBS). Also called: Townes-Brocks syndrome. Identifiers: Orphanet 857, MedGen C0265246, MeSH C536974, MONDO:0007142.

Submission:

Labcorp Genetics (formerly Invitae), Labcorp
Classification: Uncertain significance for Townes syndrome. Last evaluated: 2025-09-03. Review status: criteria provided, single submitter. Criteria: Invitae Variant Classification Sherloc (09022015). Collection method: clinical testing. Allele origin: germline.
Comment: This sequence change replaces threonine, which is neutral and polar, with lysine, which is basic and polar, at codon 572 of the SALL1 protein (p.Thr572Lys). This variant is not present in population databases (gnomAD no frequency). This variant has not been reported in the literature in individuals affected with SALL1-related conditions. An algorithm developed to predict the effect of missense changes on protein structure and function (PolyPhen-2) suggests that this variant is likely to be tolerated. In summary, the available evidence is currently insufficient to determine the role of this variant in disease. Therefore, it has been classified as a Variant of Uncertain Significance.